The following is an entry in ClinVar:

NM_022455.5(NSD1):c.4226_4229del (p.Thr1409fs)

Gene: NSD1 (nuclear receptor binding SET domain protein 1; plus strand). Cytogenetic location: 5q35.3.
Variant type: Deletion.
Coding change: c.4226_4229del on transcript NM_022455.5 (MANE Select); coding-DNA positions 4226 to 4229, 4 bases deleted (CTAA; older notation c.4226_4229delCTAA).
Protein change: p.Thr1409fs; shifts the reading frame from threonine 1409.
Molecular consequence: frameshift variant.
Genome position (GRCh38, 1-based): chr5:177,239,789-177,239,792, CTAA deleted; deleting any 4 consecutive bases within chr5:177,239,787-177,239,792 gives the same sequence; the c. name uses the placement nearest the transcript's 3' end. VCF-style (leftmost placement, unchanged base first): chr5-177239786-CAACT-C. GRCh37 (hg19) VCF-style: chr5-176666787-CAACT-C.
Other names: c.3353_3356delCTAA, p.Thr1118Argfs (NM_001365684.2, NM_001409306.1, NM_001409307.1 and 3 more transcripts); c.4226_4229delCTAA, p.Thr1409Argfs (NM_001409301.1, NM_001409302.1, NM_001409303.1 and 1 more transcripts); c.3806_3809delCTAA, p.Thr1269Argfs (NM_001409304.1); c.3473_3476delCTAA, p.Thr1158Argfs (NM_001409305.1); short protein forms T1140fs, T1409fs.
Identifiers: ClinVar variation 953970 (VCV000953970.1), dbSNP rs1765713589, ClinGen allele CA1139659268.

ClinVar aggregate classification (germline): Pathogenic (1 of 4 stars; one submission).

Conditions:
Beckwith-Wiedemann syndrome (BWS). Also called: EMG SYNDROME; Exomphalos macroglossia gigantism syndrome. Identifiers: Orphanet 116, MedGen C0004903, MONDO:0007534, OMIM 130650.

Submission:

Labcorp Genetics (formerly Invitae), Labcorp
Classification: Pathogenic for Beckwith-Wiedemann syndrome. Last evaluated: 2019-08-05. Review status: criteria provided, single submitter. Criteria: Invitae Variant Classification Sherloc (09022015). Collection method: clinical testing. Allele origin: germline.
Comment: This sequence change creates a premature translational stop signal (p.Thr1409Argfs*9) in the NSD1 gene. It is expected to result in an absent or disrupted protein product. This variant is not present in population databases (ExAC no frequency). This variant has not been reported in the literature in individuals with NSD1-related conditions. Loss-of-function variants in NSD1 are known to be pathogenic (PMID: 12464997, 14571271, 15942875, 16247291). For these reasons, this variant has been classified as Pathogenic.